The following is an entry in ClinVar:

ClinVar aggregate classification (germline): Uncertain significance (1 of 4 stars; one submission).

Conditions:
Oto-palato-digital syndrome, type II (OPD2). Also called: FACIOPALATOOSSEOUS SYNDROME; OPD II SYNDROME; Otopalatodigital Syndrome, Type II; Otopalatodigital Syndrome Type 2 (FLNA-OPD2). Identifiers: Orphanet 669, Orphanet 90652, MedGen C1844696, MONDO:0010571, OMIM 304120.
Heterotopia, periventricular, X-linked dominant (PVNH1). Also called: PERIVENTRICULAR NODULAR HETEROTOPIA 1; X-linked periventricular heterotopia; PERIVENTRICULAR NODULAR HETEROTOPIA 4; HETEROTOPIA, PERIVENTRICULAR, 1. Identifiers: Orphanet 2149, Orphanet 82004, MedGen C1848213, MONDO:0010233, OMIM 300049.
Frontometaphyseal dysplasia (FMD1). Identifiers: Orphanet 1826, MedGen C0265293, MONDO:0015942.
Melnick-Needles syndrome (MNS). Also called: MELNICK-NEEDLES OSTEODYSPLASTY; OSTEODYSPLASTY OF MELNICK AND NEEDLES; Melnick-Needles Syndrome (FLNA-MNS). Identifiers: Orphanet 2484, MedGen C0025237, MONDO:0010650, OMIM 309350.

Submission:

Labcorp Genetics (formerly Invitae), Labcorp
Classification: Uncertain significance for Oto-palato-digital syndrome, type II; Heterotopia, periventricular, X-linked dominant; Frontometaphyseal dysplasia; Melnick-Needles syndrome. Last evaluated: 2023-05-09. Review status: criteria provided, single submitter. Criteria: Invitae Variant Classification Sherloc (09022015). Collection method: clinical testing. Allele origin: germline.
Comment: In summary, the available evidence is currently insufficient to determine the role of this variant in disease. Therefore, it has been classified as a Variant of Uncertain Significance. Advanced modeling of protein sequence and biophysical properties (such as structural, functional, and spatial information, amino acid conservation, physicochemical variation, residue mobility, and thermodynamic stability) performed at Invitae indicates that this missense variant is not expected to disrupt FLNA protein function. This variant has not been reported in the literature in individuals affected with FLNA-related conditions. This variant is not present in population databases (gnomAD no frequency). This sequence change replaces asparagine, which is neutral and polar, with tyrosine, which is neutral and polar, at codon 1510 of the FLNA protein (p.Asn1510Tyr).

NM_001110556.2(FLNA):c.4528A>T (p.Asn1510Tyr)

Gene: FLNA (filamin A; minus strand). Cytogenetic location: Xq28.
Variant type: single nucleotide variant.
Coding change: c.4528A>T on transcript NM_001110556.2 (MANE Select); coding-DNA position 4528, A replaced by T.
Protein change: p.Asn1510Tyr; replaces asparagine 1510 with tyrosine.
Molecular consequence: missense variant.
Genome position (GRCh38, 1-based): chrX:154,358,515, T>A on the plus strand (A>T on the coding strand, the complement: FLNA is on the minus strand). VCF-style: chrX-154358515-T-A. GRCh37 (hg19) VCF-style: chrX-153586883-T-A.
Other names: c.4528A>T, p.Asn1510Tyr (NM_001456.4); short protein forms N1510Y.
Identifiers: ClinVar variation 2947584 (VCV002947584.3), dbSNP rs1557177310, ClinGen allele CA415215635.